The following is an entry in ClinVar:

NM_152564.5(VPS13B):c.4949+9T>C

Gene: VPS13B (vacuolar protein sorting 13 homolog B; plus strand). Cytogenetic location: 8q22.2.
Variant type: single nucleotide variant.
Coding change: c.4949+9T>C on transcript NM_152564.5 (MANE Select); 9 bases into the intron after coding-DNA position 4949, T replaced by C.
Molecular consequence: intron variant.
Genome position (GRCh38, 1-based): chr8:99,556,662, T>C. VCF-style: chr8-99556662-T-C. GRCh37 (hg19) VCF-style: chr8-100568890-T-C.
Other names: c.5024+9T>C (NM_017890.5).
Identifiers: ClinVar variation 3348108 (VCV003348108.1).
Genomic context (GRCh38, chr8:99,556,662, plus strand): 5'-AGACTGAAAGGAATTCTCAAAATCCAGCCCTTGAGTGGAATATGGCCAGCAGGTAGGAAA[T>C]GATTGAGAAACTTTCTACTCTTTCTAATACTTCATTGCCAGAATAGTTGGTGATACAATC-3'

ClinVar aggregate classification (germline): Likely benign (0 of 4 stars; one submission).

Conditions:
VPS13B-related disorder. Also called: VPS13B-related condition.

Submission:

PreventionGenetics, part of Exact Sciences
Classification: Likely benign for VPS13B-related condition. Last evaluated: 2023-11-15. Review status: no assertion criteria provided. Collection method: clinical testing. Allele origin: germline.
Comment: This variant is classified as likely benign based on ACMG/AMP sequence variant interpretation guidelines (Richards et al. 2015 PMID: 25741868, with internal and published modifications).